The following is an entry in ClinVar:

NM_001101362.3(KBTBD13):c.901G>A (p.Ala301Thr)

Gene: KBTBD13 (kelch repeat and BTB domain containing 13; plus strand). Cytogenetic location: 15q22.31.
Variant type: single nucleotide variant.
Coding change: c.901G>A on transcript NM_001101362.3 (MANE Select); coding-DNA position 901, G replaced by A.
Protein change: p.Ala301Thr; replaces alanine 301 with threonine.
Molecular consequence: missense variant.
Genome position (GRCh38, 1-based): chr15:65,077,716, G>A. VCF-style: chr15-65077716-G-A. GRCh37 (hg19) VCF-style: chr15-65370054-G-A.
Other names: short protein forms A301T.
Identifiers: ClinVar variation 1512140 (VCV001512140.8), dbSNP rs540070816, ClinGen allele CA7614018.
Genomic context (GRCh38, chr15:65,077,716, plus strand): 5'-GCCGCGGGCTGCTGGAGTTTCGTGGCCGACCTGCCGCAGCCGGCCGCCGGCGTGCCCTGC[G>A]CCCAGGCTTGTGGCCGTCTCTTCGTGTGCCTGTGGCGGCCGGCCGACACCACCGCCGTGG-3'
Protein context (NP_001094832.1, residues 291-311): LPQPAAGVPC[Ala301Thr]QACGRLFVCL

ClinVar aggregate classification (germline): Uncertain significance (1 of 4 stars; one submission).

Conditions:
Nemaline myopathy 6 (NEM6). Also called: Nemaline myopathy 6, autosomal dominant. Identifiers: Orphanet 171439, MedGen C1836472, MONDO:0012237, OMIM 609273.

Allele frequency attached by ClinVar (database versions not stated): gnomAD exomes 0.00001; 1000 Genomes Project 30x 0.00016; 1000 Genomes Project 0.00020.

Submission:

Labcorp Genetics (formerly Invitae), Labcorp
Classification: Uncertain significance for Nemaline myopathy 6. Last evaluated: 2022-08-16. Review status: criteria provided, single submitter. Criteria: Invitae Variant Classification Sherloc (09022015). Collection method: clinical testing. Allele origin: germline.
Comment: ClinVar contains an entry for this variant (Variation ID: 1512140). In summary, the available evidence is currently insufficient to determine the role of this variant in disease. Therefore, it has been classified as a Variant of Uncertain Significance. Algorithms developed to predict the effect of missense changes on protein structure and function (SIFT, PolyPhen-2, Align-GVGD) all suggest that this variant is likely to be tolerated. This variant has not been reported in the literature in individuals affected with KBTBD13-related conditions. The frequency data for this variant in the population databases is considered unreliable, as metrics indicate poor data quality at this position in the gnomAD database. This sequence change replaces alanine, which is neutral and non-polar, with threonine, which is neutral and polar, at codon 301 of the KBTBD13 protein (p.Ala301Thr).